The following is an entry in ClinVar:

ClinVar aggregate classification (germline): Uncertain significance (1 of 4 stars; one submission).

gnomAD v4.1: 1 of 1,612,094 alleles (0.000062%); highest among the groups gnomAD compares: Admixed American, 0.0017%; no homozygotes.

Submission:

Labcorp Genetics (formerly Invitae), Labcorp
Classification: Uncertain significance. Last evaluated: 2024-04-25. Review status: criteria provided, single submitter. Criteria: Invitae Variant Classification Sherloc (09022015). Collection method: clinical testing. Allele origin: germline.
Comment: This sequence change replaces glycine, which is neutral and non-polar, with aspartic acid, which is acidic and polar, at codon 463 of the XPC protein (p.Gly463Asp). This variant is present in population databases (no rsID available, gnomAD 0.003%). This variant has not been reported in the literature in individuals affected with XPC-related conditions. Advanced modeling of protein sequence and biophysical properties (such as structural, functional, and spatial information, amino acid conservation, physicochemical variation, residue mobility, and thermodynamic stability) performed at Invitae indicates that this missense variant is not expected to disrupt XPC protein function with a negative predictive value of 80%. In summary, the available evidence is currently insufficient to determine the role of this variant in disease. Therefore, it has been classified as a Variant of Uncertain Significance.

NM_004628.5(XPC):c.1388G>A (p.Gly463Asp)

Gene: XPC (XPC complex subunit, DNA damage recognition and repair factor; minus strand). Cytogenetic location: 3p25.1.
Variant type: single nucleotide variant.
Coding change: c.1388G>A on transcript NM_004628.5 (MANE Select); coding-DNA position 1388, G replaced by A.
Protein change: p.Gly463Asp; replaces glycine 463 with aspartic acid.
Molecular consequence: missense variant. On other transcripts: non-coding transcript variant (2).
Genome position (GRCh38, 1-based): chr3:14,158,495, C>T on the plus strand (G>A on the coding strand, the complement: XPC is on the minus strand). VCF-style: chr3-14158495-C-T. GRCh37 (hg19) VCF-style: chr3-14199995-C-T.
Other names: c.809G>A, p.Gly270Asp (NM_001354726.2); c.1388G>A, p.Gly463Asp (NM_001354727.2, NM_001354730.2); c.1370G>A, p.Gly457Asp (NM_001354729.2); short protein forms G457D, G270D, G463D.
Identifiers: ClinVar variation 3701910 (VCV003701910.2).